The following is an entry in ClinVar:

NM_000639.3(FASLG):c.313T>C (p.Phe105Leu)

Gene: FASLG (Fas ligand; plus strand). Cytogenetic location: 1q24.3.
Variant type: single nucleotide variant.
Coding change: c.313T>C on transcript NM_000639.3 (MANE Select); coding-DNA position 313, T replaced by C.
Protein change: p.Phe105Leu; replaces phenylalanine 105 with leucine.
Molecular consequence: missense variant.
Genome position (GRCh38, 1-based): chr1:172,659,514, T>C. VCF-style: chr1-172659514-T-C. GRCh37 (hg19) VCF-style: chr1-172628654-T-C.
Other names: c.313T>C, p.Phe105Leu (NM_001302746.2); short protein forms F105L.
Identifiers: ClinVar variation 1493601 (VCV001493601.28), dbSNP rs2101806696, ClinGen allele CA343805529.

ClinVar aggregate classification (germline): Uncertain significance. Review status: criteria provided, multiple submitters, no conflicts (2 of 4 stars). 2 submissions from 2 submitters: Uncertain significance (2). Last evaluated 2024-02-01.

Conditions:
Autoimmune lymphoproliferative syndrome type 1. Also called: AUTOIMMUNE LYMPHOPROLIFERATIVE SYNDROME, TYPE I, AUTOSOMAL DOMINANT. Identifiers: Orphanet 3261, MedGen C2717884, MONDO:0011158, OMIM 601859.

Allele frequency attached by ClinVar (database versions not stated): gnomAD exomes below 0.00001.
gnomAD v4.1: 1 of 1,613,988 alleles (0.000062%); highest among the groups gnomAD compares: Non-Finnish European, 0.000085%; no homozygotes.

Submissions (2):

CeGaT Center for Human Genetics Tuebingen
Classification: Uncertain significance. Last evaluated: 2024-02-01. Review status: criteria provided, single submitter. Criteria: CeGaT Center For Human Genetics Tuebingen Variant Classification Criteria Version 2. Collection method: clinical testing. Allele origin: germline. Affected: yes. Observed: 1 variant allele.
Comment: FASLG: PM2, BP4

Labcorp Genetics (formerly Invitae), Labcorp
Classification: Uncertain significance for Autoimmune lymphoproliferative syndrome. Last evaluated: 2021-09-30. Review status: criteria provided, single submitter. Criteria: Invitae Variant Classification Sherloc (09022015). Collection method: clinical testing. Allele origin: germline.
Comment: This sequence change replaces phenylalanine with leucine at codon 105 of the FASLG protein (p.Phe105Leu). The phenylalanine residue is highly conserved and there is a small physicochemical difference between phenylalanine and leucine. In summary, the available evidence is currently insufficient to determine the role of this variant in disease. Therefore, it has been classified as a Variant of Uncertain Significance. Algorithms developed to predict the effect of missense changes on protein structure and function (SIFT, PolyPhen-2, Align-GVGD) all suggest that this variant is likely to be tolerated. This variant has not been reported in the literature in individuals affected with FASLG-related conditions. This variant is not present in population databases (ExAC no frequency).